The following is an entry in ClinVar:

ClinVar aggregate classification (germline): Uncertain significance (1 of 4 stars; one submission).

Conditions:
Progressive familial heart block type IB (PFHB1B). Identifiers: Orphanet 871, MedGen C1970298, MONDO:0011474, OMIM 604559.

gnomAD v4.1: 3 of 1,613,992 alleles (0.00019%); highest among the groups gnomAD compares: Non-Finnish European, 0.00025%; no homozygotes.

Submission:

Labcorp Genetics (formerly Invitae), Labcorp
Classification: Uncertain significance for Progressive familial heart block type 1B. Last evaluated: 2018-01-17. Review status: criteria provided, single submitter. Criteria: Invitae Variant Classification Sherloc (09022015). Collection method: clinical testing. Allele origin: germline.
Comment: This sequence change replaces threonine with arginine at codon 948 of the TRPM4 protein (p.Thr948Arg). The threonine residue is moderately conserved and there is a moderate physicochemical difference between threonine and arginine. This variant is not present in population databases (ExAC no frequency). This variant has not been reported in the literature in individuals with TRPM4-related disease. Algorithms developed to predict the effect of missense changes on protein structure and function do not agree on the potential impact of this missense change (SIFT: "Tolerated"; PolyPhen-2: "Probably Damaging"; Align-GVGD: "Class C0"). Algorithms developed to predict the effect of sequence changes on RNA splicing suggest that this variant may create or strengthen a splice site, but this prediction has not been confirmed by published transcriptional studies. In summary, the available evidence is currently insufficient to determine the role of this variant in disease. Therefore, it has been classified as a Variant of Uncertain Significance.

NM_017636.4(TRPM4):c.2843C>G (p.Thr948Arg)

Gene: TRPM4 (transient receptor potential cation channel subfamily M member 4; plus strand). Cytogenetic location: 19q13.33.
Variant type: single nucleotide variant.
Coding change: c.2843C>G on transcript NM_017636.4 (MANE Select); coding-DNA position 2843, C replaced by G.
Protein change: p.Thr948Arg; replaces threonine 948 with arginine.
Molecular consequence: missense variant.
Genome position (GRCh38, 1-based): chr19:49,200,675, C>G. VCF-style: chr19-49200675-C-G. GRCh37 (hg19) VCF-style: chr19-49703932-C-G.
Other names: c.2408C>G, p.Thr803Arg (NM_001195227.2); c.2498C>G, p.Thr833Arg (NM_001321281.2); c.1235C>G, p.Thr412Arg (NM_001321282.2); c.2321C>G, p.Thr774Arg (NM_001321283.2); c.1781C>G, p.Thr594Arg (NM_001321285.2); short protein forms T948R, T774R, T833R, T594R, T803R, T412R.
Identifiers: ClinVar variation 567266 (VCV000567266.1), dbSNP rs750756191, ClinGen allele CA406811840.